The following is an entry in ClinVar:

ClinVar aggregate classification (germline): Uncertain significance (1 of 4 stars; one submission).

gnomAD v4.1: 2 of 1,611,892 alleles (0.00012%); highest among the groups gnomAD compares: Admixed American, 0.0033%; no homozygotes.

Submission:

Labcorp Genetics (formerly Invitae), Labcorp
Classification: Uncertain significance. Last evaluated: 2022-01-07. Review status: criteria provided, single submitter. Criteria: Invitae Variant Classification Sherloc (09022015). Collection method: clinical testing. Allele origin: germline.
Comment: This sequence change replaces lysine, which is basic and polar, with glutamine, which is neutral and polar, at codon 382 of the FERMT1 protein (p.Lys382Gln). This variant is present in population databases (no rsID available, gnomAD 0.006%). This variant has not been reported in the literature in individuals affected with FERMT1-related conditions. Algorithms developed to predict the effect of missense changes on protein structure and function (SIFT, PolyPhen-2, Align-GVGD) all suggest that this variant is likely to be tolerated. In summary, the available evidence is currently insufficient to determine the role of this variant in disease. Therefore, it has been classified as a Variant of Uncertain Significance.

NM_017671.5(FERMT1):c.1144A>C (p.Lys382Gln)

Gene: FERMT1 (FERM domain containing kindlin 1; minus strand). Cytogenetic location: 20p12.3.
Variant type: single nucleotide variant.
Coding change: c.1144A>C on transcript NM_017671.5 (MANE Select); coding-DNA position 1144, A replaced by C.
Protein change: p.Lys382Gln; replaces lysine 382 with glutamine.
Molecular consequence: missense variant.
Genome position (GRCh38, 1-based): chr20:6,089,085, T>G on the plus strand (A>C on the coding strand, the complement: FERMT1 is on the minus strand). VCF-style: chr20-6089085-T-G. GRCh37 (hg19) VCF-style: chr20-6069732-T-G.
Other names: short protein forms K382Q.
Identifiers: ClinVar variation 1911129 (VCV001911129.2), dbSNP rs757299220, ClinGen allele CA408181262.